The following is an entry in ClinVar:

ClinVar aggregate classification (germline): Likely benign (1 of 4 stars; one submission).

Submission:

CeGaT Center for Human Genetics Tuebingen
Classification: Likely benign. Last evaluated: 2023-01-01. Review status: criteria provided, single submitter. Criteria: CeGaT Center For Human Genetics Tuebingen Variant Classification Criteria Version 2. Collection method: clinical testing. Allele origin: germline. Affected: yes. Observed: 1 variant allele.
Comment: JAK2: BS1

NM_004972.4(JAK2):c.3060-9020del

Genes: INSL6 (insulin like 6; minus strand), JAK2 (Janus kinase 2; plus strand). Cytogenetic location: 9p24.1.
Variant type: Deletion.
Coding change: c.3060-9020del on transcript NM_004972.4 (MANE Select); 9020 bases into the intron before coding-DNA position 3060, one base deleted (G; older notation c.3060-9020delG).
Molecular consequence: intron variant.
Genome position (GRCh38, 1-based): chr9:5,113,984, G deleted; the last of 2 consecutive G bases (chr9:5,113,983-5,113,984); deleting either gives the same sequence. VCF-style (leftmost placement, unchanged base first): chr9-5113982-TG-T. GRCh37 (hg19) VCF-style: chr9-5113982-TG-T.
Other names: c.3060-9020del (NM_001322194.2, NM_001322195.2, NM_001322196.2); c.1845-9020del (NM_001322198.2, NM_001322199.2); c.2613-9020del (NM_001322204.2).
Identifiers: ClinVar variation 2659045 (VCV002659045.24), dbSNP rs773030171, ClinGen allele CA188437117.